The following is an entry in ClinVar:

NM_001754.5(RUNX1):c.1272G>C (p.Ser424=)

Gene: RUNX1 (RUNX family transcription factor 1; minus strand). Cytogenetic location: 21q22.12.
Variant type: single nucleotide variant.
Coding change: c.1272G>C on transcript NM_001754.5 (MANE Select); coding-DNA position 1272, G replaced by C.
Protein change: p.Ser424=; no amino-acid change (serine 424 retained).
Molecular consequence: synonymous variant.
Genome position (GRCh38, 1-based): chr21:34,792,306, C>G on the plus strand (G>C on the coding strand, the complement: RUNX1 is on the minus strand). VCF-style: chr21-34792306-C-G. GRCh37 (hg19) VCF-style: chr21-36164603-C-G.
Other names: NM_001754.5(RUNX1):c.1272G>C; p.Ser424=; c.1191G>C, p.Ser397= (NM_001001890.3).
Identifiers: ClinVar variation 741803 (VCV000741803.19), dbSNP rs1459260782, ClinGen allele CA512341151.

ClinVar aggregate classification (germline): Likely benign. Review status: reviewed by expert panel (3 of 4 stars). 8 submissions from 8 submitters: Likely benign (1). 7 of the submissions do not count toward it. Last evaluated 2024-07-11.

Conditions:
RUNX1-related disorder. Also called: RUNX1-related condition.
Hereditary thrombocytopenia and hematologic cancer predisposition syndrome. Identifiers: Orphanet 71290, MedGen CN281654, MONDO:0011071.
Inborn genetic diseases. Identifiers: MedGen C0950123, MeSH D030342.
Hereditary cancer-predisposing syndrome. Also called: Neoplastic Syndromes, Hereditary; Tumor predisposition; Hereditary Cancer Syndrome; Hereditary neoplastic syndrome. Identifiers: Orphanet 140162, MedGen C0027672, MeSH D009386, MONDO:0015356.
Hereditary thrombocytopenia and hematological cancer predisposition syndrome associated with RUNX1. Also called: Familial Platelet Disorder with Propensity to Acute Myelogenous Leukemia; Familial thrombocytopenia with propensity to acute myelogenous leukemia; PLATELET DISORDER, ASPIRIN-LIKE; RUNX1 Familial Platelet Disorder with Associated Myeloid Malignancies. Identifiers: Orphanet 71290, MedGen C1832388, MeSH C563324, MONDO:0100083, OMIM 601399.
Acute myeloid leukemia (AML). Also called: Leukemia, acute myeloid, somatic; Leukemia, acute myelogenous, somatic; Acute myeloid leukemia, adult; AML adult; Acute non-lymphocytic leukemia; Acute granulocytic leukemia. Identifiers: Orphanet 519, MedGen C0023467, MeSH D015470, MONDO:0018874, OMIM 601626, HP:0004808. Disease mechanism: Constitutively activated FLT3.

Allele frequency attached by ClinVar (database versions not stated): TOPMed 0.00001.

Submissions (8):

ClinGen Myeloid Malignancy Variant Curation Expert Panel
Classification: Likely benign for Hereditary thrombocytopenia and hematologic cancer predisposition syndrome. Last evaluated: 2024-07-11. Review status: reviewed by expert panel. Criteria: ClinGen MyeloMalig ACMG Specifications v2. Collection method: curation. Allele origin: germline. Inheritance: Autosomal dominant inheritance.
Comment: NM_001754.5(RUNX1): c.1272G>C (p.Ser424=) is a synonymous variant. Evolutionary conservation algorithms predict the site as not being conserved (PhyloP -2.00124 < 2.0), meeting BP7. Since it is synonymous, no REVEL score is applicable, and SpliceAI score is ≤ 0.20 (0.00), meeting BP4. In summary, this variant meets the criteria to be classified as likely benign. ACMG/AMP criteria applied, as specified by the Myeloid Malignancy Variant Curation Expert Panel for RUNX1: BP4, BP7.

Labcorp Genetics (formerly Invitae), Labcorp
Classification: Likely benign for Hereditary thrombocytopenia and hematological cancer predisposition syndrome associated with RUNX1. Last evaluated: 2026-02-03. Review status: criteria provided, single submitter. Criteria: Invitae Variant Classification Sherloc (09022015). Collection method: clinical testing. Allele origin: germline. Not counted in ClinVar's aggregate classification.

Ambry Genetics
Classification: Likely benign for Inborn genetic diseases. Last evaluated: 2024-11-28. Review status: criteria provided, single submitter. Criteria: Ambry Variant Classification Scheme 2023. Collection method: clinical testing. Allele origin: germline. Not counted in ClinVar's aggregate classification.

Blueprint Genetics
Classification: Likely benign. Last evaluated: 2024-11-27. Review status: criteria provided, single submitter. Criteria: ACMG Guidelines, 2015. Collection method: clinical testing. Allele origin: germline. Not counted in ClinVar's aggregate classification.

Fulgent Genetics
Classification: Likely benign for Hereditary thrombocytopenia and hematological cancer predisposition syndrome associated with RUNX1; Acute myeloid leukemia. Last evaluated: 2022-02-16. Review status: criteria provided, single submitter. Criteria: ACMG Guidelines, 2015. Collection method: clinical testing. Allele origin: unknown. Not counted in ClinVar's aggregate classification.

Sema4
Classification: Likely benign for Hereditary cancer-predisposing syndrome. Last evaluated: 2021-05-12. Review status: criteria provided, single submitter. Criteria: Sema4 Curation Guidelines. Collection method: curation. Allele origin: germline. Not counted in ClinVar's aggregate classification.

Breakthrough Genomics
Classification: Likely benign. Review status: criteria provided, single submitter. Criteria: ACMG Guidelines, 2015. Collection method: not provided. Allele origin: germline. Inheritance: Autosomal dominant inheritance. Affected: yes. Not counted in ClinVar's aggregate classification.

PreventionGenetics, part of Exact Sciences
Classification: Likely benign for RUNX1-related condition. Last evaluated: 2024-05-01. Review status: no assertion criteria provided. Collection method: clinical testing. Allele origin: germline. Not counted in ClinVar's aggregate classification.
Comment: This variant is classified as likely benign based on ACMG/AMP sequence variant interpretation guidelines (Richards et al. 2015 PMID: 25741868, with internal and published modifications).